The following is an entry in ClinVar:

NM_001370466.1(NOD2):c.973C>A (p.His325Asn)

Gene: NOD2 (nucleotide binding oligomerization domain containing 2; plus strand). Cytogenetic location: 16q12.1.
Variant type: single nucleotide variant.
Coding change: c.973C>A on transcript NM_001370466.1 (MANE Select); coding-DNA position 973, C replaced by A.
Protein change: p.His325Asn; replaces histidine 325 with asparagine.
Molecular consequence: missense variant. On other transcripts: non-coding transcript variant (1).
Genome position (GRCh38, 1-based): chr16:50,710,965, C>A. VCF-style: chr16-50710965-C-A. GRCh37 (hg19) VCF-style: chr16-50744876-C-A.
Other names: c.973C>A, p.His325Asn (NM_001293557.2); c.1054C>A, p.His352Asn (NM_022162.3); short protein forms H325N, H352N.
Identifiers: ClinVar variation 1699766 (VCV001699766.2), dbSNP rs1964447610, ClinGen allele CA395868122.

ClinVar aggregate classification (germline): Uncertain significance (1 of 4 stars; one submission).

Allele frequency attached by ClinVar (database versions not stated): TOPMed below 0.00001.

Submission:

GeneDx
Classification: Uncertain significance. Last evaluated: 2022-01-26. Review status: criteria provided, single submitter. Criteria: GeneDx Variant Classification Process June 2021. Collection method: clinical testing. Allele origin: germline. Affected: yes.
Comment: Not observed at significant frequency in large population cohorts (gnomAD); In silico analysis supports that this missense variant has a deleterious effect on protein structure/function; Has not been previously published as pathogenic or benign to our knowledge